The following is an entry in ClinVar:

ClinVar aggregate classification (germline): Benign/Likely benign. Review status: criteria provided, multiple submitters, no conflicts (2 of 4 stars). 5 submissions from 5 submitters: Benign (2); Likely benign (1). 2 of the submissions do not count toward it. Last evaluated 2021-09-13.

Conditions:
Neuronal ceroid lipofuscinosis 8 northern epilepsy variant. Also called: EPILEPSY, PROGRESSIVE, WITH MENTAL RETARDATION; NORTHERN EPILEPSY. Identifiers: Orphanet 1947, MedGen C1864923, MONDO:0012391, OMIM 610003.
Neuronal ceroid lipofuscinosis 8 (CLN8). Also called: CLN8-Related Neuronal Ceroid-Lipofuscinosis. Identifiers: Orphanet 228354, Orphanet 79264, MedGen C1838570, MONDO:0010830, OMIM 600143, Orphanet 168491.

Allele frequency attached by ClinVar (database versions not stated): gnomAD 0.00464 and 0.00505; 1000 Genomes Project 30x 0.00484; 1000 Genomes Project 0.00499; TOPMed 0.00516.
gnomAD v4.1: 1,093 of 827,392 alleles (0.13%); highest among the groups gnomAD compares: African/African-American, 1.6%; 10 homozygotes.

Submissions (5):

Fulgent Genetics
Classification: Likely benign for Neuronal ceroid lipofuscinosis 8; Neuronal ceroid lipofuscinosis 8 northern epilepsy variant. Last evaluated: 2021-09-13. Review status: criteria provided, single submitter. Criteria: ACMG Guidelines, 2015. Collection method: clinical testing. Allele origin: unknown.

GeneDx
Classification: Benign. Last evaluated: 2013-09-05. Review status: criteria provided, single submitter. Criteria: GeneDx Variant Classification (06012015). Collection method: clinical testing. Allele origin: germline. Affected: yes.
Comment: This variant is considered likely benign or benign based on one or more of the following criteria: it is a conservative change, it occurs at a poorly conserved position in the protein, it is predicted to be benign by multiple in silico algorithms, and/or has population frequency not consistent with disease.

Breakthrough Genomics
Classification: Benign. Review status: criteria provided, single submitter. Criteria: ACMG Guidelines, 2015. Collection method: not provided. Allele origin: germline. Inheritance: Autosomal recessive inheritance. Affected: yes.

Clinical Genetics DNA and cytogenetics Diagnostics Lab, Erasmus MC, Erasmus Medical Center
Classification: Benign. Review status: no assertion criteria provided. Collection method: clinical testing. Allele origin: germline. Affected: yes. Study: VKGL Data-share Consensus. Not counted in ClinVar's aggregate classification.

Genome Diagnostics Laboratory, University Medical Center Utrecht
Classification: Likely benign. Review status: no assertion criteria provided. Collection method: clinical testing. Allele origin: germline. Affected: yes. Study: VKGL Data-share Consensus. Not counted in ClinVar's aggregate classification.

NM_018941.4(CLN8):c.-123-4T>C

Gene: CLN8 (CLN8 transmembrane ER and ERGIC protein; plus strand). Cytogenetic location: 8p23.3.
Variant type: single nucleotide variant.
Coding change: c.-123-4T>C on transcript NM_018941.4 (MANE Select); 4 bases into the intron before 123 bases upstream of the start codon, T replaced by C.
Molecular consequence: intron variant.
Genome position (GRCh38, 1-based): chr8:1,770,928, T>C. VCF-style: chr8-1770928-T-C. GRCh37 (hg19) VCF-style: chr8-1719094-T-C.
Identifiers: ClinVar variation 136805 (VCV000136805.5), dbSNP rs114189810, ClinGen allele CA290158.